The following is an entry in ClinVar:

ClinVar aggregate classification (germline): Uncertain significance. Review status: criteria provided, multiple submitters, no conflicts (2 of 4 stars). 2 submissions from 2 submitters: Uncertain significance (2). Last evaluated 2025-01-08.

Conditions:
Gastrointestinal stromal tumor. Also called: Gastrointestinal stromal tumor, somatic; Gastrointestinal stroma tumor. Identifiers: Orphanet 44890, MedGen C0238198, MeSH D046152, MONDO:0011719, OMIM 606764, HP:0100723.
Hereditary cancer-predisposing syndrome. Also called: Neoplastic Syndromes, Hereditary; Tumor predisposition; Hereditary Cancer Syndrome; Hereditary neoplastic syndrome. Identifiers: Orphanet 140162, MedGen C0027672, MeSH D009386, MONDO:0015356.

gnomAD v4.1: 4 of 1,614,196 alleles (0.00025%); highest among the groups gnomAD compares: Non-Finnish European, 0.00034%; no homozygotes.

Submissions (2):

Labcorp Genetics (formerly Invitae), Labcorp
Classification: Uncertain significance for Gastrointestinal stromal tumor. Last evaluated: 2025-01-08. Review status: criteria provided, single submitter. Criteria: Invitae Variant Classification Sherloc (09022015). Collection method: clinical testing. Allele origin: germline.
Comment: This sequence change replaces isoleucine, which is neutral and non-polar, with phenylalanine, which is neutral and non-polar, at codon 258 of the PDGFRA protein (p.Ile258Phe). This variant is present in population databases (no rsID available, gnomAD 0.0009%). This variant has not been reported in the literature in individuals affected with PDGFRA-related conditions. ClinVar contains an entry for this variant (Variation ID: 1760341). An algorithm developed to predict the effect of missense changes on protein structure and function (PolyPhen-2) suggests that this variant is likely to be tolerated. In summary, the available evidence is currently insufficient to determine the role of this variant in disease. Therefore, it has been classified as a Variant of Uncertain Significance.

Ambry Genetics
Classification: Uncertain significance for Hereditary cancer-predisposing syndrome. Last evaluated: 2024-08-31. Review status: criteria provided, single submitter. Criteria: Ambry Variant Classification Scheme 2023. Collection method: clinical testing. Allele origin: germline.
Comment: The p.I258F variant (also known as c.772A>T), located in coding exon 5 of the PDGFRA gene, results from an A to T substitution at nucleotide position 772. The isoleucine at codon 258 is replaced by phenylalanine, an amino acid with highly similar properties. This amino acid position is conserved. In addition, this alteration is predicted to be tolerated by in silico analysis. Since supporting evidence is limited at this time, the clinical significance of this alteration remains unclear.

NM_006206.6(PDGFRA):c.772A>T (p.Ile258Phe)

Gene: PDGFRA (platelet derived growth factor receptor alpha; plus strand). Cytogenetic location: 4q12.
Variant type: single nucleotide variant.
Coding change: c.772A>T on transcript NM_006206.6 (MANE Select); coding-DNA position 772, A replaced by T.
Protein change: p.Ile258Phe; replaces isoleucine 258 with phenylalanine.
Molecular consequence: missense variant.
Genome position (GRCh38, 1-based): chr4:54,267,301, A>T. VCF-style: chr4-54267301-A-T. GRCh37 (hg19) VCF-style: chr4-55133468-A-T.
Other names: c.772A>T, p.Ile258Phe (NM_001347827.2, NM_001347829.2); c.847A>T, p.Ile283Phe (NM_001347828.2); c.811A>T, p.Ile271Phe (NM_001347830.2); short protein forms I283F, I271F, I258F.
Identifiers: ClinVar variation 1760341 (VCV001760341.6), dbSNP rs1039985533, ClinGen allele CA356891076.